The following is an entry in ClinVar:

NM_000083.3(CLCN1):c.596G>C (p.Arg199Pro)

Gene: CLCN1 (chloride voltage-gated channel 1; plus strand). Cytogenetic location: 7q34.
Variant type: single nucleotide variant.
Coding change: c.596G>C on transcript NM_000083.3 (MANE Select); coding-DNA position 596, G replaced by C.
Protein change: p.Arg199Pro; replaces arginine 199 with proline.
Molecular consequence: missense variant. On other transcripts: non-coding transcript variant (1).
Genome position (GRCh38, 1-based): chr7:143,321,748, G>C. VCF-style: chr7-143321748-G-C. GRCh37 (hg19) VCF-style: chr7-143018841-G-C.
Other names: c.596G>C (NM_000083.2); short protein forms R199P.
Identifiers: ClinVar variation 2173119 (VCV002173119.6), dbSNP rs2487033838, ClinGen allele CA369684441.
Genomic context (GRCh38, chr7:143,321,748, plus strand): 5'-CTGCACATAATCTTTCAACGCTTTTAGGCTCTGGAATCCCCGAAATGAAGACAATACTTC[G>C]TGGGGTTGTCCTGAAGGAATACCTCACAATGAAAGCCTTTGTGGCCAAGGTTGTCGCCCT-3'
Protein context (NP_000074.3, residues 189-209): SGIPEMKTIL[Arg199Pro]GVVLKEYLTM

ClinVar aggregate classification (germline): Uncertain significance. Review status: criteria provided, multiple submitters, no conflicts (2 of 4 stars). 2 submissions from 2 submitters: Uncertain significance (2). Last evaluated 2022-09-24.

Conditions:
Congenital myotonia, autosomal dominant form (THD). Also called: THOMSEN DISEASE; Myotonia congenita autosomal dominant. Identifiers: Orphanet 614, MedGen C2936781, MONDO:0008055, OMIM 160800.
Congenital myotonia, autosomal recessive form. Also called: BECKER DISEASE; myotonia congenita, autosomal recessive; Becker Generalized Myotonia. Identifiers: Orphanet 614, MedGen C0751360, MONDO:0009715, OMIM 255700.

gnomAD v4.1: 2 of 1,614,214 alleles (0.00012%); highest among the groups gnomAD compares: South Asian, 0.0011%; no homozygotes.

Submissions (2):

Labcorp Genetics (formerly Invitae), Labcorp
Classification: Uncertain significance for Congenital myotonia, autosomal recessive form; Congenital myotonia, autosomal dominant form. Last evaluated: 2022-09-24. Review status: criteria provided, single submitter. Criteria: Invitae Variant Classification Sherloc (09022015). Collection method: clinical testing. Allele origin: germline.
Comment: In summary, the available evidence is currently insufficient to determine the role of this variant in disease. Therefore, it has been classified as a Variant of Uncertain Significance. Advanced modeling of protein sequence and biophysical properties (such as structural, functional, and spatial information, amino acid conservation, physicochemical variation, residue mobility, and thermodynamic stability) performed at Invitae indicates that this missense variant is expected to disrupt CLCN1 protein function. This variant has not been reported in the literature in individuals affected with CLCN1-related conditions. This variant is not present in population databases (gnomAD no frequency). This sequence change replaces arginine, which is basic and polar, with proline, which is neutral and non-polar, at codon 199 of the CLCN1 protein (p.Arg199Pro).

Revvity Omics, Revvity
Classification: Uncertain significance. Last evaluated: 2019-06-19. Review status: criteria provided, single submitter. Criteria: ACMG Guidelines, 2015. Collection method: clinical testing. Allele origin: germline.